The following is an entry in ClinVar:

ClinVar aggregate classification (germline): Uncertain significance (1 of 4 stars; one submission).

Submission:

Labcorp Genetics (formerly Invitae), Labcorp
Classification: Uncertain significance. Last evaluated: 2022-07-18. Review status: criteria provided, single submitter. Criteria: Invitae Variant Classification Sherloc (09022015). Collection method: clinical testing. Allele origin: germline.
Comment: In summary, the available evidence is currently insufficient to determine the role of this variant in disease. Therefore, it has been classified as a Variant of Uncertain Significance. Algorithms developed to predict the effect of missense changes on protein structure and function are either unavailable or do not agree on the potential impact of this missense change (SIFT: "Tolerated"; PolyPhen-2: "Probably Damaging"; Align-GVGD: "Class C0"). ClinVar contains an entry for this variant (Variation ID: 1004158). This variant has not been reported in the literature in individuals affected with WHRN-related conditions. This variant is not present in population databases (gnomAD no frequency). This sequence change replaces leucine, which is neutral and non-polar, with phenylalanine, which is neutral and non-polar, at codon 352 of the WHRN protein (p.Leu352Phe).

NM_015404.4(WHRN):c.1054C>T (p.Leu352Phe)

Gene: WHRN (whirlin; minus strand). Cytogenetic location: 9q32.
Variant type: single nucleotide variant.
Coding change: c.1054C>T on transcript NM_015404.4 (MANE Select); coding-DNA position 1054, C replaced by T.
Protein change: p.Leu352Phe; replaces leucine 352 with phenylalanine.
Molecular consequence: missense variant. On other transcripts: 5 prime UTR variant (1).
Genome position (GRCh38, 1-based): chr9:114,426,323, G>A on the plus strand (C>T on the coding strand, the complement: WHRN is on the minus strand). VCF-style: chr9-114426323-G-A. GRCh37 (hg19) VCF-style: chr9-117188603-G-A.
Other names: c.-96C>T (NM_001083885.3); c.1054C>T, p.Leu352Phe (NM_001173425.2); short protein forms L352F.
Identifiers: ClinVar variation 1004158 (VCV001004158.8), dbSNP rs1836855238, ClinGen allele CA374610532.
Genomic context (GRCh38, chr9:114,426,323, plus strand): 5'-TCTCGTCCACAGTGGTGCGGGCATGGGGCAGCCTCCCGACGTCCTTCACTGTCAGGATGA[G>A]GTGCCGAGATGACTTAAGCAGCCTGACAGCCTCGTCGTGTAGGATGTTGAGAAAGCTCCG-3'
Protein context (NP_056219.3, residues 342-362): AVRLLKSSRH[Leu352Phe]ILTVKDVGRL